The following is an entry in ClinVar:

NM_133497.4(KCNV2):c.20G>C (p.Arg7Thr)

Gene: KCNV2 (potassium voltage-gated channel modifier subfamily V member 2; plus strand). Cytogenetic location: 9p24.2.
Variant type: single nucleotide variant.
Coding change: c.20G>C on transcript NM_133497.4 (MANE Select); coding-DNA position 20, G replaced by C.
Protein change: p.Arg7Thr; replaces arginine 7 with threonine.
Molecular consequence: missense variant.
Genome position (GRCh38, 1-based): chr9:2,717,759, G>C. VCF-style: chr9-2717759-G-C. GRCh37 (hg19) VCF-style: chr9-2717759-G-C.
Other names: short protein forms R7T.
Identifiers: ClinVar variation 1002351 (VCV001002351.10), dbSNP rs370186140, ClinGen allele CA372795304.

ClinVar aggregate classification (germline): Uncertain significance (1 of 4 stars; one submission).

Submission:

Labcorp Genetics (formerly Invitae), Labcorp
Classification: Uncertain significance. Last evaluated: 2022-07-05. Review status: criteria provided, single submitter. Criteria: Invitae Variant Classification Sherloc (09022015). Collection method: clinical testing. Allele origin: germline.
Comment: Algorithms developed to predict the effect of missense changes on protein structure and function are either unavailable or do not agree on the potential impact of this missense change (SIFT: "Deleterious"; PolyPhen-2: "Possibly Damaging"; Align-GVGD: "Class C0"). This sequence change replaces arginine, which is basic and polar, with threonine, which is neutral and polar, at codon 7 of the KCNV2 protein (p.Arg7Thr). This variant is not present in population databases (gnomAD no frequency). This variant has not been reported in the literature in individuals affected with KCNV2-related conditions. ClinVar contains an entry for this variant (Variation ID: 1002351). In summary, the available evidence is currently insufficient to determine the role of this variant in disease. Therefore, it has been classified as a Variant of Uncertain Significance.